The following is an entry in ClinVar:

ClinVar aggregate classification (germline): Pathogenic/Likely pathogenic. Review status: criteria provided, multiple submitters, no conflicts (2 of 4 stars). 9 submissions from 9 submitters: Pathogenic (4); Likely pathogenic (3). 2 of the submissions do not count toward it. Last evaluated 2026-08-19.

Conditions:
Primary hyperoxaluria type 3. Also called: PH III. Identifiers: Orphanet 416, Orphanet 93600, MedGen C3150878, MONDO:0013327, OMIM 613616. Disease mechanism: loss of function.
HOGA1-related disorder. Also called: HOGA1-related condition.

Allele frequency attached by ClinVar (database versions not stated): ExAC 0.00014.
gnomAD v4.1: 76 of 1,613,988 alleles (0.0047%); highest among the groups gnomAD compares: South Asian, 0.081%; 1 homozygote.

Submissions (9):

Myriad Genetics, Inc.
Classification: Likely pathogenic for Primary hyperoxaluria type 3. Last evaluated: 2026-08-19. Review status: criteria provided, single submitter. Criteria: Myriad Autosomal Dominant, Autosomal Recessive and X-Linked Classification Criteria (2023). Collection method: clinical testing. Allele origin: unknown.
Comment: NM_138413.3(HOGA1):c.134C>T(P45L) is a missense variant classified as likely pathogenic in the context of primary hyperoxaluria type 3. P45L has been observed in cases with relevant disease (PMID: 26342005, 36259736, 37464296, 40794449). Relevant functional assessments of this variant are not available in the literature. P45L has been observed in referenced population frequency databases. In summary, NM_138413.3(HOGA1):c.134C>T(P45L) is a missense variant that has been observed more frequently in cases with the relevant disease than in healthy populations. Please note: this variant was assessed in the context of healthy population screening.

First Genomix Gene Laboratory, Genetic Diagnostics Department
Classification: Pathogenic for Primary hyperoxaluria type 3. Last evaluated: 2026-01-02. Review status: criteria provided, single submitter. Criteria: ACMG Guidelines, 2015. Collection method: clinical testing. Allele origin: germline. Inheritance: Autosomal recessive inheritance. Affected: no. Observed: 1 variant allele.

Rare Kidney Stone Consortium and the Mayo Clinic Hyperoxaluria Center, Mayo Clinic
Classification: Pathogenic for Primary hyperoxaluria type 3. Last evaluated: 2025-10-03. Review status: criteria provided, single submitter. Criteria: ACMG Guidelines, 2015. Collection method: research. Allele origin: germline. Affected: yes. Observed: 2 variant alleles.
Comment: ACMG:PM1, PM2, PM5, PP2, PP3, PP5

Labcorp Genetics (formerly Invitae), Labcorp
Classification: Pathogenic. Last evaluated: 2025-04-01. Review status: criteria provided, single submitter. Criteria: Invitae Variant Classification Sherloc (09022015). Collection method: clinical testing. Allele origin: germline.
Comment: This sequence change replaces proline, which is neutral and non-polar, with leucine, which is neutral and non-polar, at codon 45 of the HOGA1 protein (p.Pro45Leu). This variant is present in population databases (rs764396564, gnomAD 0.1%). This missense change has been observed in individual(s) with clinical features of hyperoxaluria (PMID: 26342005; internal data). ClinVar contains an entry for this variant (Variation ID: 204266). Invitae Evidence Modeling of protein sequence and biophysical properties (such as structural, functional, and spatial information, amino acid conservation, physicochemical variation, residue mobility, and thermodynamic stability) indicates that this missense variant is expected to disrupt HOGA1 protein function with a positive predictive value of 95%. For these reasons, this variant has been classified as Pathogenic.

Fulgent Genetics
Classification: Likely pathogenic for Primary hyperoxaluria type 3. Last evaluated: 2024-06-22. Review status: criteria provided, single submitter. Criteria: ACMG Guidelines, 2015. Collection method: clinical testing. Allele origin: germline.

Neuberg Centre For Genomic Medicine, NCGM
Classification: Likely pathogenic for Primary hyperoxaluria type 3. Last evaluated: 2024-02-01. Review status: criteria provided, single submitter. Criteria: ACMG Guidelines, 2015. Collection method: clinical testing. Allele origin: germline. Inheritance: Autosomal recessive inheritance.
Comment: The missense c.134C>T(p.Pro45Leu) variant in the HOGA1 gene which is located in a mutational hot spot has been reported previously in individuals affected with Primary hyperoxaluria. Different amino acid change affecting codon 45 (p.Pro45Arg) is reported as a known likely pathogenic variant (Clifford-Mobley et al., 2016). In the absence of another reportable variant, the molecular diagnosis is not confirmed

Clinical Biochemistry Laboratory, Health Services Laboratory
Classification: Pathogenic for Primary hyperoxaluria type 3. Last evaluated: 2023-10-27. Review status: criteria provided, single submitter. Criteria: ACMG Guidelines, 2015. Collection method: clinical testing. Allele origin: germline. Affected: yes.
Comment: Biochemical confirmation - raised urine oxalate and dihydroxyglutarate. ACMG:PM1 PM2 PP3 PP4 PP5 BP1

Genetics laboratory, Institute of Kidney Diseases & Research Centre Dr. H.L. Trivedi Institute Of Transplantation Sciences
Classification: Pathogenic for Primary hyperoxaluria type 3. Last evaluated: 2024-03-12. Review status: no assertion criteria provided. Collection method: clinical testing. Allele origin: germline. Affected: yes. Observed: 1 variant allele, 1 homozygote. Not counted in ClinVar's aggregate classification.
Comment: This sequence change replaces proline, which is neutral and non-polar, with leucine, which is neutral and non-polar, at codon 45 of the HOGA1 protein (p.Pro45Leu). This variant is present in population databases (rs764396564, gnomAD 0.1%). This missense change has been observed in individual(s) with clinical features of hyperoxaluria. ClinVar contains an entry for this variant (Variation ID: 204266). Advanced modeling of protein sequence and biophysical properties (such as structural, functional, and spatial information, amino acid conservation, physicochemical variation, residue mobility, and thermodynamic stability) performed at Invitae indicates that this missense variant is expected to disrupt HOGA1 protein function with a positive predictive value of 95%. For these reasons, this variant has been classified as Pathogenic.

PreventionGenetics, part of Exact Sciences
Classification: Uncertain significance for HOGA1-related condition. Last evaluated: 2024-01-08. Review status: no assertion criteria provided. Collection method: clinical testing. Allele origin: germline. Not counted in ClinVar's aggregate classification.
Comment: The HOGA1 c.134C>T variant is predicted to result in the amino acid substitution p.Pro45Leu. This variant has been reported in four individuals with primary hyperoxaluria type III; However, a second causative variant was not identified in two of these individuals (Table 3, Clifford-Mobley et al. 2016. PubMed ID: 26342005; Tables 1, 2 and S1, Abid et al. 2022. PubMed ID: 36259736; Table 4, Saha et al. 2023. PubMed ID: 37464296). This variant is reported in 0.10% of alleles in individuals of South Asian descent in gnomAD. At this time, the clinical significance of this variant is uncertain due to the absence of conclusive functional and genetic evidence.

Literature cited by the submitters: PubMed 26342005 (cited by 4 submitters); PubMed 36259736 (cited by Myriad Genetics, Inc. and Rare Kidney Stone Consortium and the Mayo Clinic Hyperoxaluria Center, Mayo Clinic); PubMed 37464296 (cited by Myriad Genetics, Inc. and Rare Kidney Stone Consortium and the Mayo Clinic Hyperoxaluria Center, Mayo Clinic); PubMed 40794449 (cited by Myriad Genetics, Inc. and Rare Kidney Stone Consortium and the Mayo Clinic Hyperoxaluria Center, Mayo Clinic).

NM_138413.4(HOGA1):c.134C>T (p.Pro45Leu)

Gene: HOGA1 (4-hydroxy-2-oxoglutarate aldolase 1; plus strand). Cytogenetic location: 10q24.2.
Variant type: single nucleotide variant.
Coding change: c.134C>T on transcript NM_138413.4 (MANE Select); coding-DNA position 134, C replaced by T.
Protein change: p.Pro45Leu; replaces proline 45 with leucine.
Molecular consequence: missense variant.
Genome position (GRCh38, 1-based): chr10:97,584,837, C>T. VCF-style: chr10-97584837-C-T. GRCh37 (hg19) VCF-style: chr10-99344594-C-T.
Other names: c.134C>T, p.Pro45Leu (NM_001134670.2); short protein forms P45L.
Identifiers: ClinVar variation 204266 (VCV000204266.18), dbSNP rs764396564, ClinGen allele CA203938.